The following is an entry in ClinVar:

ClinVar aggregate classification (germline): Uncertain significance. Review status: criteria provided, multiple submitters, no conflicts (2 of 4 stars). 3 submissions from 3 submitters: Uncertain significance (3). Last evaluated 2025-06-09.

Conditions:
Familial thoracic aortic aneurysm and aortic dissection (TAAD). Also called: Thoracic aortic aneurysms and dissections. Identifiers: Orphanet 91387, MedGen C4707243, MONDO:0019625.
Aortic aneurysm, familial thoracic 8 (AAT8). Identifiers: MedGen C3809513, MONDO:0014187, OMIM 615436.

Allele frequency attached by ClinVar (database versions not stated): gnomAD exomes 0.00001; TOPMed 0.00001.
gnomAD v4.1: 5 of 1,612,428 alleles (0.00031%); highest among the groups gnomAD compares: East Asian, 0.0022%; no homozygotes.

Submissions (3):

Ambry Genetics
Classification: Uncertain significance for Familial thoracic aortic aneurysm and aortic dissection. Last evaluated: 2025-06-09. Review status: criteria provided, single submitter. Criteria: Ambry Variant Classification Scheme 2023. Collection method: clinical testing. Allele origin: germline.

Labcorp Genetics (formerly Invitae), Labcorp
Classification: Uncertain significance for Aortic aneurysm, familial thoracic 8. Last evaluated: 2024-09-27. Review status: criteria provided, single submitter. Criteria: Invitae Variant Classification Sherloc (09022015). Collection method: clinical testing. Allele origin: germline.
Comment: This sequence change replaces serine, which is neutral and polar, with leucine, which is neutral and non-polar, at codon 470 of the PRKG1 protein (p.Ser470Leu). This variant is not present in population databases (gnomAD no frequency). This variant has not been reported in the literature in individuals affected with PRKG1-related conditions. ClinVar contains an entry for this variant (Variation ID: 77987). An algorithm developed to predict the effect of missense changes on protein structure and function (PolyPhen-2) suggests that this variant¬†is likely to be tolerated. In summary, the available evidence is currently insufficient to determine the role of this variant in disease. Therefore, it has been classified as a Variant of Uncertain Significance.

GeneDx
Classification: Uncertain significance. Last evaluated: 2024-03-24. Review status: criteria provided, single submitter. Criteria: GeneDx Variant Classification Process June 2021. Collection method: clinical testing. Allele origin: germline. Affected: yes.
Comment: Has not been previously published as pathogenic or benign to our knowledge; Not observed at significant frequency in large population cohorts (gnomAD); In silico analysis supports that this missense variant has a deleterious effect on protein structure/function

NM_006258.4(PRKG1):c.1409C>T (p.Ser470Leu)

Gene: PRKG1 (protein kinase cGMP-dependent 1; plus strand). Cytogenetic location: 10q21.1.
Variant type: single nucleotide variant.
Coding change: c.1409C>T on transcript NM_006258.4 (MANE Select); coding-DNA position 1409, C replaced by T.
Protein change: p.Ser470Leu; replaces serine 470 with leucine.
Molecular consequence: missense variant.
Genome position (GRCh38, 1-based): chr10:52,280,794, C>T. VCF-style: chr10-52280794-C-T. GRCh37 (hg19) VCF-style: chr10-54040554-C-T.
Other names: c.1364C>T, p.Ser455Leu (NM_001098512.3); c.200C>T, p.Ser67Leu (NM_001374781.1); short protein forms S455L, S470L, S67L.
Identifiers: ClinVar variation 77987 (VCV000077987.11), dbSNP rs267602521, ClinGen allele CA16609693.